The following is an entry in ClinVar:

ClinVar aggregate classification (germline): Benign/Likely benign. Review status: criteria provided, multiple submitters, no conflicts (2 of 4 stars). 3 submissions from 3 submitters: Benign (1); Likely benign (2). Last evaluated 2025-05-19.

Conditions:
Marfan syndrome (MFS). Also called: MARFAN SYNDROME, TYPE I; FBN1-Related Marfan Syndrome; Marfan syndrome type 1; Marfan's syndrome; Marfan syndrome, classic. Identifiers: Orphanet 284963, Orphanet 558, MedGen C0024796, MONDO:0007947, OMIM 154700.
Familial thoracic aortic aneurysm and aortic dissection (TAAD). Also called: Thoracic aortic aneurysms and dissections. Identifiers: Orphanet 91387, MedGen C4707243, MONDO:0019625.

Submissions (3):

Labcorp Genetics (formerly Invitae), Labcorp
Classification: Benign for Marfan syndrome; Familial thoracic aortic aneurysm and aortic dissection. Last evaluated: 2025-05-19. Review status: criteria provided, single submitter. Criteria: Invitae Variant Classification Sherloc (09022015). Collection method: clinical testing. Allele origin: germline.

Color Diagnostics, LLC DBA Color Health
Classification: Likely benign for Familial thoracic aortic aneurysm and aortic dissection. Last evaluated: 2018-11-09. Review status: criteria provided, single submitter. Criteria: ACMG Guidelines, 2015. Collection method: clinical testing. Allele origin: germline.

GeneDx
Classification: Likely benign. Last evaluated: 2016-06-14. Review status: criteria provided, single submitter. Criteria: GeneDx Variant Classification (06012015). Collection method: clinical testing. Allele origin: germline. Affected: yes.
Comment: This variant is considered likely benign or benign based on one or more of the following criteria: it is a conservative change, it occurs at a poorly conserved position in the protein, it is predicted to be benign by multiple in silico algorithms, and/or has population frequency not consistent with disease.

NM_000138.5(FBN1):c.347-5del

Gene: FBN1 (fibrillin 1; minus strand). Cytogenetic location: 15q21.1.
Variant type: Deletion.
Coding change: c.347-5del on transcript NM_000138.5 (MANE Select); 5 bases into the intron before coding-DNA position 347, one base deleted (T; older notation c.347-5delT).
Molecular consequence: intron variant.
Genome position (GRCh38, 1-based): chr15:48,600,239, A deleted on the plus strand (T on the coding strand, the reverse complement: FBN1 is on the minus strand); the first of 8 consecutive A bases (chr15:48,600,239-48,600,246); deleting any one gives the same sequence. VCF-style (leftmost placement, unchanged base first): chr15-48600238-GA-G. GRCh37 (hg19) VCF-style: chr15-48892435-GA-G.
Other names: c.347-5delT (NM_000138.4).
Identifiers: ClinVar variation 421426 (VCV000421426.11), dbSNP rs561135562, ClinGen allele CA050954.